The following is an entry in ClinVar:

ClinVar aggregate classification (germline): Uncertain significance. Review status: criteria provided, multiple submitters, no conflicts (2 of 4 stars). 2 submissions from 2 submitters: Uncertain significance (2). Last evaluated 2025-10-27.

Conditions:
Charcot-Marie-Tooth disease type 2. Also called: Charcot-Marie-Tooth type 2. Identifiers: Orphanet 64746, MedGen C0270914, MONDO:0018993.

gnomAD v4.1: 9 of 1,613,924 alleles (0.00056%); highest among the groups gnomAD compares: South Asian, 0.0011%; no homozygotes.

Submissions (2):

Ambry Genetics
Classification: Uncertain significance. Last evaluated: 2025-10-27. Review status: criteria provided, single submitter. Criteria: Ambry Variant Classification Scheme 2023. Collection method: clinical testing. Allele origin: germline.
Comment: The p.R981Q variant (also known as c.2942G>A), located in coding exon 26 of the KIF1B gene, results from a G to A substitution at nucleotide position 2942. The arginine at codon 981 is replaced by glutamine, an amino acid with highly similar properties. This amino acid position is conserved. In addition, this alteration is predicted to be deleterious by in silico analysis. Since supporting evidence is limited at this time, the clinical significance of this alteration remains unclear.

Labcorp Genetics (formerly Invitae), Labcorp
Classification: Uncertain significance for Charcot-Marie-Tooth disease type 2. Last evaluated: 2021-04-24. Review status: criteria provided, single submitter. Criteria: Invitae Variant Classification Sherloc (09022015). Collection method: clinical testing. Allele origin: germline.
Comment: Algorithms developed to predict the effect of missense changes on protein structure and function are either unavailable or do not agree on the potential impact of this missense change (SIFT: "Tolerated"; PolyPhen-2: "Probably Damaging"; Align-GVGD: "Class C0"). In summary, the available evidence is currently insufficient to determine the role of this variant in disease. Therefore, it has been classified as a Variant of Uncertain Significance. This variant has not been reported in the literature in individuals with KIF1B-related conditions. This variant is not present in population databases (ExAC no frequency). This sequence change replaces arginine with glutamine at codon 981 of the KIF1B protein (p.Arg981Gln). The arginine residue is moderately conserved and there is a small physicochemical difference between arginine and glutamine.

NM_001365951.3(KIF1B):c.3080G>A (p.Arg1027Gln)

Gene: KIF1B (kinesin family member 1B; plus strand). Cytogenetic location: 1p36.22.
Variant type: single nucleotide variant.
Coding change: c.3080G>A on transcript NM_001365951.3 (MANE Select); coding-DNA position 3080, G replaced by A.
Protein change: p.Arg1027Gln; replaces arginine 1027 with glutamine.
Molecular consequence: missense variant.
Genome position (GRCh38, 1-based): chr1:10,336,693, G>A. VCF-style: chr1-10336693-G-A. GRCh37 (hg19) VCF-style: chr1-10396751-G-A.
Other names: c.3080G>A, p.Arg1027Gln (NM_001365952.1); c.2942G>A, p.Arg981Gln (NM_015074.3); short protein forms R1027Q, R981Q.
Identifiers: ClinVar variation 1398304 (VCV001398304.10), dbSNP rs2102315292, ClinGen allele CA338339343.